The following is an entry in ClinVar:

NM_000021.4(PSEN1):c.782T>G (p.Val261Gly)

Gene: PSEN1 (presenilin 1; plus strand). Cytogenetic location: 14q24.2.
Variant type: single nucleotide variant.
Coding change: c.782T>G on transcript NM_000021.4 (MANE Select); coding-DNA position 782, T replaced by G.
Protein change: p.Val261Gly; replaces valine 261 with glycine.
Molecular consequence: missense variant.
Genome position (GRCh38, 1-based): chr14:73,198,043, T>G. VCF-style: chr14-73198043-T-G. GRCh37 (hg19) VCF-style: chr14-73664751-T-G.
Other names: NC_000014.8:g.73664751T>G; c.770T>G, p.Val257Gly (NM_007318.3); short protein forms V261G, V257G.
Identifiers: ClinVar variation 192193 (VCV000192193.2), dbSNP rs199723282, ClinGen allele CA200044.

ClinVar aggregate classification (germline): Benign (1 of 4 stars; one submission).

Allele frequency attached by ClinVar (database versions not stated): ExAC 0.02050.

Submissions (5):

Biesecker Lab/Clinical Genomics Section, National Institutes of Health
Classification: Benign. Last evaluated: 2013-06-24. Review status: criteria provided, single submitter. Criteria: Ng et al. (Circ Cardiovasc Genet. 2013). Collection method: research. Allele origin: unknown. Observed: 89 variant alleles. Study: ClinSeq.
Comment: The study set was not selected for affection status in relation to any cancer. Pathogenicity categories were based on literature curation. See Pubmed ID:23861362 for details.

Medical sequencing

Dr. Peter K. Rogan Lab, Western University
No classification provided (evidence only). Condition: Familial cancer of breast. Review status: no classification provided. Collection method: in vitro. Allele origin: not applicable. Functional consequence: retained intron. Not counted in ClinVar's aggregate classification.

Dr. Peter K. Rogan Lab, Western University
No classification provided (evidence only). Condition: Thyroid cancer, nonmedullary, 1. Review status: no classification provided. Collection method: in vitro. Allele origin: not applicable. Functional consequence: retained intron. Not counted in ClinVar's aggregate classification.

Dr. Peter K. Rogan Lab, Western University
No classification provided (evidence only). Condition: Thyroid cancer, nonmedullary, 1. Review status: no classification provided. Collection method: in vitro. Allele origin: not applicable. Functional consequence: skipped exon. Not counted in ClinVar's aggregate classification.

Dr. Peter K. Rogan Lab, Western University
No classification provided (evidence only). Condition: Thyroid cancer, nonmedullary, 1. Review status: no classification provided. Collection method: in vitro. Allele origin: not applicable. Functional consequence: skipped exon, retained intron. Not counted in ClinVar's aggregate classification.